The following is an entry in ClinVar:

ClinVar aggregate classification (germline): Uncertain significance (0 of 4 stars; one submission).

Conditions:
PDE8B-related disorder. Also called: PDE8B-related condition.

gnomAD v4.1: 10 of 1,613,780 alleles (0.00062%); highest among the groups gnomAD compares: Non-Finnish European, 0.00085%; no homozygotes.

Submission:

PreventionGenetics, part of Exact Sciences
Classification: Uncertain significance for PDE8B-related condition. Last evaluated: 2024-06-04. Review status: no assertion criteria provided. Collection method: clinical testing. Allele origin: germline.
Comment: The PDE8B c.1720G>T variant is predicted to result in the amino acid substitution p.Val574Phe. To our knowledge, this variant has not been reported in the literature. This variant is reported in 0.0039% of alleles in individuals of European (Non-Finnish) descent in gnomAD. At this time, the clinical significance of this variant is uncertain due to the absence of conclusive functional and genetic evidence.

NM_003719.5(PDE8B):c.1720G>T (p.Val574Phe)

Gene: PDE8B (phosphodiesterase 8B; plus strand). Cytogenetic location: 5q13.3.
Variant type: single nucleotide variant.
Coding change: c.1720G>T on transcript NM_003719.5 (MANE Select); coding-DNA position 1720, G replaced by T.
Protein change: p.Val574Phe; replaces valine 574 with phenylalanine.
Molecular consequence: missense variant.
Genome position (GRCh38, 1-based): chr5:77,413,118, G>T. VCF-style: chr5-77413118-G-T. GRCh37 (hg19) VCF-style: chr5-76708943-G-T.
Other names: c.1429G>T, p.Val477Phe (NM_001029851.4); c.1555G>T, p.Val519Phe (NM_001029852.4); c.1660G>T, p.Val554Phe (NM_001029853.4); c.1579G>T, p.Val527Phe (NM_001029854.4); c.1717G>T, p.Val573Phe (NM_001349748.3, NM_001349751.3); c.1783G>T, p.Val595Phe (NM_001349749.3); c.1480G>T, p.Val494Phe (NM_001349750.3); c.1414G>T, p.Val472Phe (NM_001349752.3); and 12 more; short protein forms V353F, V356F, V376F, V425F, V426F, V446F, V450F, V453F.
Identifiers: ClinVar variation 3348305 (VCV003348305.1).